The following is an entry in ClinVar:

ClinVar aggregate classification (germline): Uncertain significance. Review status: criteria provided, multiple submitters, no conflicts (2 of 4 stars). 2 submissions from 2 submitters: Uncertain significance (2). Last evaluated 2024-10-11.

Allele frequency attached by ClinVar (database versions not stated): gnomAD 0.00001 and 0.00002; gnomAD exomes 0.00001 and 0.00002; TOPMed 0.00002.
gnomAD v4.1: 10 of 1,538,444 alleles (0.00065%); highest among the groups gnomAD compares: African/African-American, 0.0014%; no homozygotes.

Submissions (2):

Blueprint Genetics
Classification: Uncertain significance. Last evaluated: 2024-10-11. Review status: criteria provided, single submitter. Criteria: ACMG Guidelines, 2015. Collection method: clinical testing. Allele origin: germline.

Labcorp Genetics (formerly Invitae), Labcorp
Classification: Uncertain significance. Last evaluated: 2023-11-13. Review status: criteria provided, single submitter. Criteria: Invitae Variant Classification Sherloc (09022015). Collection method: clinical testing. Allele origin: germline.
Comment: This sequence change falls in intron 1 of the GNAT2 gene. It does not directly change the encoded amino acid sequence of the GNAT2 protein. It affects a nucleotide within the consensus splice site. This variant is present in population databases (no rsID available, gnomAD 0.005%). This variant has not been reported in the literature in individuals affected with GNAT2-related conditions. ClinVar contains an entry for this variant (Variation ID: 965671). Variants that disrupt the consensus splice site are a relatively common cause of aberrant splicing (PMID: 17576681, 9536098). Algorithms developed to predict the effect of sequence changes on RNA splicing suggest that this variant may disrupt the consensus splice site. In summary, the available evidence is currently insufficient to determine the role of this variant in disease. Therefore, it has been classified as a Variant of Uncertain Significance.

Literature cited by the submitters: PubMed 17576681 (cited by Labcorp Genetics (formerly Invitae), Labcorp); PubMed 9536098 (cited by Labcorp Genetics (formerly Invitae), Labcorp).

NM_001377295.2(GNAT2):c.118+5G>A

Gene: GNAT2 (G protein subunit alpha transducin 2; minus strand). Cytogenetic location: 1p13.3.
Variant type: single nucleotide variant.
Coding change: c.118+5G>A on transcript NM_001377295.2 (MANE Select); 5 bases into the intron after coding-DNA position 118, G replaced by A.
Molecular consequence: intron variant.
Genome position (GRCh38, 1-based): chr1:109,612,748, C>T on the plus strand (G>A on the coding strand, the complement: GNAT2 is on the minus strand). VCF-style: chr1-109612748-C-T. GRCh37 (hg19) VCF-style: chr1-110155370-C-T.
Other names: c.118+5G>A (NM_001379232.1, NM_005272.5).
Identifiers: ClinVar variation 965671 (VCV000965671.6), dbSNP rs1297656759, ClinGen allele CA525287939.